The following is an entry in ClinVar:

ClinVar aggregate classification (germline): Uncertain significance (1 of 4 stars; one submission).

Conditions:
Familial adenomatous polyposis 1 (FAP1). Also called: FAMILIAL ADENOMATOUS POLYPOSIS 1, ATTENUATED; POLYPOSIS, ADENOMATOUS INTESTINAL. Identifiers: MedGen C2713442, MONDO:0021056, OMIM 175100. Disease mechanism: loss of function.

Submission:

Labcorp Genetics (formerly Invitae), Labcorp
Classification: Uncertain significance for Familial adenomatous polyposis 1. Last evaluated: 2024-05-16. Review status: criteria provided, single submitter. Criteria: Invitae Variant Classification Sherloc (09022015). Collection method: clinical testing. Allele origin: germline.
Comment: This sequence change falls in intron 2 of the APC gene. It does not directly change the encoded amino acid sequence of the APC protein. This variant is not present in population databases (gnomAD no frequency). This variant has not been reported in the literature in individuals affected with APC-related conditions. Algorithms developed to predict the effect of sequence changes on RNA splicing suggest that this variant may create or strengthen a splice site. In summary, the available evidence is currently insufficient to determine the role of this variant in disease. Therefore, it has been classified as a Variant of Uncertain Significance.

NM_000038.6(APC):c.135+16C>G

Gene: APC (APC regulator of Wnt signaling pathway; plus strand). Cytogenetic location: 5q22.2.
Variant type: single nucleotide variant.
Coding change: c.135+16C>G on transcript NM_000038.6 (MANE Select); 16 bases into the intron after coding-DNA position 135, C replaced by G.
Molecular consequence: intron variant.
Genome position (GRCh38, 1-based): chr5:112,755,041, C>G. VCF-style: chr5-112755041-C-G. GRCh37 (hg19) VCF-style: chr5-112090738-C-G.
Other names: c.-901+16C>G (NM_001407470.1, NM_001407472.1, NM_001354906.2 and 1 more transcripts); c.135+16C>G (NM_001407447.1, NM_001354895.2, NM_001407456.1 and 16 more transcripts); c.166-11285C>G (NM_001407446.1, NM_001354897.2, NM_001354902.2 and 1 more transcripts); c.-42-11285C>G (NM_001407453.1, NM_001354900.2, NM_001354901.2 and 1 more transcripts); c.61-11285C>G (NM_001407451.1, NM_001354898.2, NM_001354904.2).
Identifiers: ClinVar variation 3653433 (VCV003653433.2).
Genomic context (GRCh38, chr5:112,755,041, plus strand): 5'-TCCAATCATCTTACAAAACTGGAAACTGAGGCATCTAATATGAAGGTATCAAGACTGTGA[C>G]TTTTAATTGTAGTTTATCCATTTTTATTCAGTATTCCCTCTTGTAAACTTGAGGTAAGAC-3'